The following is an entry in ClinVar:

ClinVar aggregate classification (germline): Conflicting classifications of pathogenicity. Review status: criteria provided, conflicting classifications (1 of 4 stars). 2 submissions from 2 submitters: Uncertain significance (1); Likely benign (1). Last evaluated 2026-08-01.

Allele frequency attached by ClinVar (database versions not stated): 1000 Genomes Project 30x 0.00031; ExAC 0.00108; gnomAD exomes 0.00220.
gnomAD v4.1: 2,574 of 1,248,958 alleles (0.21%); highest among the groups gnomAD compares: Non-Finnish European, 0.24%; 5 homozygotes.

Submissions (2):

CeGaT Center for Human Genetics Tuebingen
Classification: Likely benign. Last evaluated: 2026-08-01. Review status: criteria provided, single submitter. Criteria: CeGaT Center For Human Genetics Tuebingen Variant Classification Criteria Version 2. Collection method: clinical testing. Allele origin: germline. Affected: yes. Observed: 2 variant alleles.
Comment: FBXL6: BS1

Ambry Genetics
Classification: Uncertain significance. Last evaluated: 2024-06-17. Review status: criteria provided, single submitter. Criteria: Ambry Variant Classification Scheme 2023. Collection method: clinical testing. Allele origin: germline.

NM_012162.4(FBXL6):c.40C>T (p.Arg14Trp)

Genes: FBXL6 (F-box and leucine rich repeat protein 6; minus strand), LOC130001388 (ATAC-STARR-seq lymphoblastoid silent region 19676; plus strand). Cytogenetic location: 8q24.3.
Variant type: single nucleotide variant.
Coding change: c.40C>T on transcript NM_012162.4 (MANE Select); coding-DNA position 40, C replaced by T.
Protein change: p.Arg14Trp; replaces arginine 14 with tryptophan.
Molecular consequence: missense variant.
Genome position (GRCh38, 1-based): chr8:144,358,408, G>A on the plus strand (C>T on the coding strand, the complement: FBXL6 is on the minus strand). VCF-style: chr8-144358408-G-A. GRCh37 (hg19) VCF-style: chr8-145582068-G-A.
Other names: c.40C>T, p.Arg14Trp (NM_024555.6); short protein forms R14W.
Identifiers: ClinVar variation 2343292 (VCV002343292.4), dbSNP rs782690748, ClinGen allele CA4938032.